The following is an entry in ClinVar:

NM_024721.5(ZFHX4):c.9636C>T (p.Pro3212=)

Gene: ZFHX4 (zinc finger homeobox 4; plus strand). Cytogenetic location: 8q21.13.
Variant type: single nucleotide variant.
Coding change: c.9636C>T on transcript NM_024721.5 (MANE Select); coding-DNA position 9636, C replaced by T.
Protein change: p.Pro3212=; no amino-acid change (proline 3212 retained).
Molecular consequence: synonymous variant.
Genome position (GRCh38, 1-based): chr8:76,863,350, C>T. VCF-style: chr8-76863350-C-T. GRCh37 (hg19) VCF-style: chr8-77775586-C-T.
Other names: c.9558C>T, p.Pro3186= (NM_001410934.1).
Identifiers: ClinVar variation 3048203 (VCV003048203.2), dbSNP rs148979629, ClinGen allele CA4788408.
Genomic context (GRCh38, chr8:76,863,350, plus strand): 5'-GCAAACTAAGCCAAACAAGGTGAAAAAAATCAAAGAGGAGGAATTAGAGGCCACCAAACC[C>T]GAAAAACACCCCAAAAAAGAGGAAAAAATCTCATCTGCTCTTTCAGTGTTGGGCAAAGTT-3'
Protein context (NP_078997.4, residues 3202-3222): IKEEELEATK[Pro3212=]EKHPKKEEKI

ClinVar aggregate classification (germline): Likely benign (0 of 4 stars; one submission).

Conditions:
ZFHX4-related disorder. Also called: ZFHX4-related condition.

Allele frequency attached by ClinVar (database versions not stated): TOPMed 0.00040; 1000 Genomes Project 30x 0.00047; ExAC 0.00050; 1000 Genomes Project 0.00060; ESP Exome Variant Server 0.00109.
gnomAD v4.1: 1,604 of 1,613,756 alleles (0.099%); highest among the groups gnomAD compares: Non-Finnish European, 0.13%; 1 homozygote.

Submission:

PreventionGenetics, part of Exact Sciences
Classification: Likely benign for ZFHX4-related condition. Last evaluated: 2019-03-04. Review status: no assertion criteria provided. Collection method: clinical testing. Allele origin: germline.
Comment: This variant is classified as likely benign based on ACMG/AMP sequence variant interpretation guidelines (Richards et al. 2015 PMID: 25741868, with internal and published modifications).